The following is an entry in ClinVar:

ClinVar aggregate classification (germline): Uncertain significance. Review status: criteria provided, single submitter (1 of 4 stars). 2 submissions from 2 submitters: Uncertain significance (1). 1 of the submissions does not count toward it. Last evaluated 2025-04-23.

Conditions:
Familial dysautonomia. Also called: HSAN III; FD. Identifiers: Orphanet 1764, MedGen C0013364, MONDO:0009131, OMIM 223900. Disease mechanism: loss of function.

Submissions (2):

Labcorp Genetics (formerly Invitae), Labcorp
Classification: Uncertain significance. Last evaluated: 2025-04-23. Review status: criteria provided, single submitter. Criteria: Invitae Variant Classification Sherloc (09022015). Collection method: clinical testing. Allele origin: germline.
Comment: This sequence change replaces aspartic acid, which is acidic and polar, with valine, which is neutral and non-polar, at codon 203 of the ELP1 protein (p.Asp203Val). This variant is not present in population databases (gnomAD no frequency). This variant has not been reported in the literature in individuals affected with ELP1-related conditions. ClinVar contains an entry for this variant (Variation ID: 991314). Invitae Evidence Modeling of protein sequence and biophysical properties (such as structural, functional, and spatial information, amino acid conservation, physicochemical variation, residue mobility, and thermodynamic stability) indicates that this missense variant is expected to disrupt ELP1 protein function with a positive predictive value of 80%. Algorithms developed to predict the effect of sequence changes on RNA splicing suggest that this variant may disrupt the consensus splice site. In summary, the available evidence is currently insufficient to determine the role of this variant in disease. Therefore, it has been classified as a Variant of Uncertain Significance.

Natera, Inc.
Classification: Uncertain significance for Familial dysautonomia. Last evaluated: 2020-08-14. Review status: no assertion criteria provided. Collection method: clinical testing. Allele origin: germline. Not counted in ClinVar's aggregate classification.

NM_003640.5(ELP1):c.608A>T (p.Asp203Val)

Gene: ELP1 (elongator acetyltransferase complex subunit 1; minus strand). Cytogenetic location: 9q31.3.
Variant type: single nucleotide variant.
Coding change: c.608A>T on transcript NM_003640.5 (MANE Select); coding-DNA position 608, A replaced by T.
Protein change: p.Asp203Val; replaces aspartic acid 203 with valine.
Molecular consequence: missense variant. On other transcripts: intron variant (1).
Genome position (GRCh38, 1-based): chr9:108,919,294, T>A on the plus strand (A>T on the coding strand, the complement: ELP1 is on the minus strand). VCF-style: chr9-108919294-T-A. GRCh37 (hg19) VCF-style: chr9-111681574-T-A.
Other names: c.266A>T, p.Asp89Val (NM_001318360.2); c.-307-1624A>T (NM_001330749.2); short protein forms D203V, D89V.
Identifiers: ClinVar variation 991314 (VCV000991314.2), dbSNP rs1829558657, ClinGen allele CA374388332.